The following is an entry in ClinVar:

NM_017654.4(SAMD9):c.4294dup (p.Tyr1432fs)

Gene: SAMD9 (sterile alpha motif domain containing 9; minus strand). Cytogenetic location: 7q21.2.
Variant type: Duplication.
Coding change: c.4294dup on transcript NM_017654.4 (MANE Select); coding-DNA position 4294, one base duplicated (T; older notation c.4294dupT).
Protein change: p.Tyr1432fs; shifts the reading frame from tyrosine 1432.
Molecular consequence: frameshift variant.
Genome position (GRCh38, 1-based): chr7:93,101,804, A duplicated on the plus strand (T on the coding strand, the reverse complement: SAMD9 is on the minus strand). VCF-style (leftmost placement, unchanged base first): chr7-93101803-T-TA. GRCh37 (hg19) VCF-style: chr7-92731116-T-TA.
Other names: c.4294dup, p.Tyr1432fs (NM_001193307.2); short protein forms Y1432fs.
Identifiers: ClinVar variation 3703797 (VCV003703797.3).
Genomic context (GRCh38, chr7:93,101,803, plus strand): 5'-TGTTCAGAATGTTGATCTAGTTGTTGATTTTCTGGCCAGAATAAGAGGGAAGCTAGAAAA[T>TA]ACGGTTCTGAAAACTGATAAGTCAGTCCTATTGGTTGCAAGACTTCTCGAAGCTGATCTT-3'

ClinVar aggregate classification (germline): Uncertain significance. Review status: criteria provided, multiple submitters, no conflicts (2 of 4 stars). 2 submissions from 2 submitters: Uncertain significance (2). Last evaluated 2026-03-10.

Conditions:
Normophosphatemic familial tumoral calcinosis. Also called: CALCINOSIS, TUMORAL, WITH NORMOPHOSPHATEMIA. Identifiers: Orphanet 306658, Orphanet 53715, MedGen C1864861, MONDO:0012502, OMIM 610455.

Submissions (2):

Myriad Genetics, Inc.
Classification: Uncertain significance for Normophosphatemic familial tumoral calcinosis. Last evaluated: 2026-03-10. Review status: criteria provided, single submitter. Criteria: Myriad Autosomal Dominant, Autosomal Recessive and X-Linked Classification Criteria (2023). Collection method: clinical testing. Allele origin: unknown.
Comment: NM_017654.3(SAMD9):c.4294dupT(Y1432Lfs*20) is a frameshift variant classified as a variant of uncertain significance in the context of normophosphatemic familial tumoral calcinosis. Y1432Lfs*20 has not been observed in cases with relevant disease. Relevant functional assessments of this variant are not available in the literature. Y1432Lfs*20 has been observed in referenced population frequency databases. In summary, there is insufficient evidence to classify NM_017654.3(SAMD9):c.4294dupT(Y1432Lfs*20) as pathogenic or benign. Please note: this variant was assessed in the context of healthy population screening.

Labcorp Genetics (formerly Invitae), Labcorp
Classification: Uncertain significance. Last evaluated: 2024-11-11. Review status: criteria provided, single submitter. Criteria: Invitae Variant Classification Sherloc (09022015). Collection method: clinical testing. Allele origin: germline.
Comment: This sequence change creates a premature translational stop signal (p.Tyr1432Leufs*20) in the SAMD9 gene. While this is not anticipated to result in nonsense mediated decay, it is expected to disrupt the last 158 amino acid(s) of the SAMD9 protein. This variant is present in population databases (rs766195232, gnomAD 0.0009%). This variant has not been reported in the literature in individuals affected with SAMD9-related conditions. In summary, the available evidence is currently insufficient to determine the role of this variant in disease. Therefore, it has been classified as a Variant of Uncertain Significance.